The following is an entry in ClinVar:

NM_001099271.2(POC5):c.434T>C (p.Leu145Pro)

Gene: POC5 (POC5 centriolar protein; minus strand). Cytogenetic location: 5q13.3.
Variant type: single nucleotide variant.
Coding change: c.434T>C on transcript NM_001099271.2 (MANE Select); coding-DNA position 434, T replaced by C.
Protein change: p.Leu145Pro; replaces leucine 145 with proline.
Molecular consequence: missense variant.
Genome position (GRCh38, 1-based): chr5:75,702,684, A>G on the plus strand (T>C on the coding strand, the complement: POC5 is on the minus strand). VCF-style: chr5-75702684-A-G. GRCh37 (hg19) VCF-style: chr5-74998509-A-G.
Other names: c.434T>C (NM_001099271.1); c.359T>C, p.Leu120Pro (NM_152408.3); short protein forms L120P, L145P.
Identifiers: ClinVar variation 2180181 (VCV002180181.5), dbSNP rs1010782515, ClinGen allele CA120981918.

ClinVar aggregate classification (germline): Uncertain significance. Review status: criteria provided, multiple submitters, no conflicts (2 of 4 stars). 2 submissions from 2 submitters: Uncertain significance (2). Last evaluated 2024-04-01.

Allele frequency attached by ClinVar (database versions not stated): gnomAD exomes below 0.00001.

Submissions (2):

Ambry Genetics
Classification: Uncertain significance. Last evaluated: 2024-04-01. Review status: criteria provided, single submitter. Criteria: Ambry Variant Classification Scheme 2023. Collection method: clinical testing. Allele origin: germline.

Labcorp Genetics (formerly Invitae), Labcorp
Classification: Uncertain significance. Last evaluated: 2024-02-22. Review status: criteria provided, single submitter. Criteria: Invitae Variant Classification Sherloc (09022015). Collection method: clinical testing. Allele origin: germline.
Comment: This sequence change replaces leucine, which is neutral and non-polar, with proline, which is neutral and non-polar, at codon 145 of the POC5 protein (p.Leu145Pro). This variant is not present in population databases (gnomAD no frequency). This variant has not been reported in the literature in individuals affected with POC5-related conditions. ClinVar contains an entry for this variant (Variation ID: 2180181). An algorithm developed to predict the effect of missense changes on protein structure and function (PolyPhen-2) suggests that this variant is likely to be tolerated. In summary, the available evidence is currently insufficient to determine the role of this variant in disease. Therefore, it has been classified as a Variant of Uncertain Significance.